The following is an entry in ClinVar:

ClinVar aggregate classification (germline): Likely benign (1 of 4 stars; one submission).

Allele frequency attached by ClinVar (database versions not stated): gnomAD exomes 0.00082; gnomAD 0.00839 and 0.00882; 1000 Genomes Project 30x 0.00916; 1000 Genomes Project 0.00927; TOPMed 0.00971.
gnomAD v4.1: 1,664 of 967,011 alleles (0.17%); highest among the groups gnomAD compares: African/African-American, 2.9%; 13 homozygotes.

Submission:

GeneDx
Classification: Likely benign. Last evaluated: 2018-06-18. Review status: criteria provided, single submitter. Criteria: GeneDx Variant Classification (06012015). Collection method: clinical testing. Allele origin: germline. Affected: yes.
Comment: This variant is considered likely benign or benign based on one or more of the following criteria: it is a conservative change, it occurs at a poorly conserved position in the protein, it is predicted to be benign by multiple in silico algorithms, and/or has population frequency not consistent with disease.

NM_004006.3(DMD):c.1813-68C>T

Gene: DMD (dystrophin; minus strand). Cytogenetic location: Xp21.1.
Variant type: single nucleotide variant.
Coding change: c.1813-68C>T on transcript NM_004006.3 (MANE Select); 68 bases into the intron before coding-DNA position 1813, C replaced by T.
Molecular consequence: intron variant.
Genome position (GRCh38, 1-based): chrX:32,565,949, G>A on the plus strand (C>T on the coding strand, the complement: DMD is on the minus strand). VCF-style: chrX-32565949-G-A. GRCh37 (hg19) VCF-style: chrX-32584066-G-A.
Other names: c.1789-68C>T (NM_000109.4); c.1801-68C>T (NM_004009.3); c.1444-68C>T (NM_004010.3).
Identifiers: ClinVar variation 675865 (VCV000675865.1), dbSNP rs72468693, ClinGen allele CA328035857.